The following is an entry in ClinVar:

ClinVar aggregate classification (germline): Uncertain significance (1 of 4 stars; one submission).

Conditions:
Intellectual developmental disorder, autosomal dominant 22. Also called: Intellectual disability, autosomal dominant 22. Identifiers: MedGen CN029689, MONDO:0012869, OMIM 612337.

Allele frequency attached by ClinVar (database versions not stated): gnomAD exomes below 0.00001.
gnomAD v4.1: 1 of 1,614,232 alleles (0.000062%); highest among the groups gnomAD compares: Non-Finnish European, 0.000085%; no homozygotes.

Submission:

Victorian Clinical Genetics Services, Murdoch Childrens Research Institute
Classification: Uncertain significance for Intellectual developmental disorder, autosomal dominant 22. Last evaluated: 2019-08-28. Review status: criteria provided, single submitter. Criteria: ACMG Guidelines, 2015. Collection method: clinical testing. Allele origin: germline. Inheritance: Autosomal dominant inheritance. Affected: yes.
Comment: A heterozygous missense variant, NM_205768.2(ZBTB18):c.859G>A, has been identified in exon 2 of 2 of the ZBTB18 gene. The variant is predicted to result in a minor amino acid change from alanine to threonine at position 287 of the protein (NP_991331.1(ZBTB18):p.(Ala287Thr)). The alanine residue at this position has moderate conservation (100 vertebrates, UCSC), but is not located within a well established functional domain. In silico predictions of pathogenicity for this variant are conflicting (Polyphen, SIFT, CADD, Mutation Taster). The variant is absent in population databases (gnomAD) and has not been previously reported in clinical cases. Based on the information available at the time of curation, this variant has been classified as a VARIANT of UNCERTAIN SIGNIFICANCE (VUS).

NM_205768.3(ZBTB18):c.859G>A (p.Ala287Thr)

Gene: ZBTB18 (zinc finger and BTB domain containing 18; plus strand). Cytogenetic location: 1q44.
Variant type: single nucleotide variant.
Coding change: c.859G>A on transcript NM_205768.3 (MANE Select); coding-DNA position 859, G replaced by A.
Protein change: p.Ala287Thr; replaces alanine 287 with threonine.
Molecular consequence: missense variant.
Genome position (GRCh38, 1-based): chr1:244,054,633, G>A. VCF-style: chr1-244054633-G-A. GRCh37 (hg19) VCF-style: chr1-244217935-G-A.
Other names: c.832G>A, p.Ala278Thr (NM_001278196.2, NM_006352.5); short protein forms A278T, A287T.
Identifiers: ClinVar variation 1805700 (VCV001805700.1), dbSNP rs1362432147, ClinGen allele CA345673839.